The following is an entry in ClinVar:

ClinVar aggregate classification (germline): Conflicting classifications of pathogenicity. Review status: criteria provided, conflicting classifications (1 of 4 stars). 2 submissions from 2 submitters: Uncertain significance (1); Likely benign (1). Last evaluated 2025-08-30.

gnomAD v4.1: 48 of 1,613,792 alleles (0.003%); highest among the groups gnomAD compares: South Asian, 0.0066%; 1 homozygote.

Submissions (2):

Ambry Genetics
Classification: Uncertain significance. Last evaluated: 2025-08-30. Review status: criteria provided, single submitter. Criteria: Ambry Variant Classification Scheme 2023. Collection method: clinical testing. Allele origin: germline.

CeGaT Center for Human Genetics Tuebingen
Classification: Likely benign. Last evaluated: 2024-12-01. Review status: criteria provided, single submitter. Criteria: CeGaT Center For Human Genetics Tuebingen Variant Classification Criteria Version 2. Collection method: clinical testing. Allele origin: germline. Affected: yes. Observed: 1 variant allele.
Comment: TNC: BP4, BS2

NM_002160.4(TNC):c.5134T>A (p.Ser1712Thr)

Gene: TNC (tenascin C; minus strand). Cytogenetic location: 9q33.1.
Variant type: single nucleotide variant.
Coding change: c.5134T>A on transcript NM_002160.4 (MANE Select); coding-DNA position 5134, T replaced by A.
Protein change: p.Ser1712Thr; replaces serine 1712 with threonine.
Molecular consequence: missense variant.
Genome position (GRCh38, 1-based): chr9:115,042,333, A>T on the plus strand (T>A on the coding strand, the complement: TNC is on the minus strand). VCF-style: chr9-115042333-A-T. GRCh37 (hg19) VCF-style: chr9-117804612-A-T.
Other names: c.5134T>A (NM_002160.3); c.4588T>A, p.Ser1530Thr (NM_001410991.1); short protein forms S1530T, S1712T.
Identifiers: ClinVar variation 3770756 (VCV003770756.14).